The following is an entry in ClinVar:

ClinVar aggregate classification (germline): Uncertain significance (1 of 4 stars; one submission).

Conditions:
Deficiency of malonyl-CoA decarboxylase. Also called: Malonic aciduria; MCD deficiency. Identifiers: Orphanet 943, MedGen C0342793, MONDO:0009556, OMIM 248360.

Allele frequency attached by ClinVar (database versions not stated): gnomAD exomes below 0.00001; TOPMed 0.00001.
gnomAD v4.1: 1 of 1,614,206 alleles (0.000062%); highest among the groups gnomAD compares: Admixed American, 0.0017%; no homozygotes.

Submission:

Labcorp Genetics (formerly Invitae), Labcorp
Classification: Uncertain significance for Deficiency of malonyl-CoA decarboxylase. Last evaluated: 2022-06-05. Review status: criteria provided, single submitter. Criteria: Invitae Variant Classification Sherloc (09022015). Collection method: clinical testing. Allele origin: germline.
Comment: In summary, the available evidence is currently insufficient to determine the role of this variant in disease. Therefore, it has been classified as a Variant of Uncertain Significance. Algorithms developed to predict the effect of missense changes on protein structure and function (SIFT, PolyPhen-2, Align-GVGD) all suggest that this variant is likely to be tolerated. This variant has not been reported in the literature in individuals affected with MLYCD-related conditions. This variant is present in population databases (no rsID available, gnomAD 0.003%). This sequence change replaces glutamic acid, which is acidic and polar, with aspartic acid, which is acidic and polar, at codon 314 of the MLYCD protein (p.Glu314Asp).

NM_012213.3(MLYCD):c.942G>T (p.Glu314Asp)

Genes: MLYCD (malonyl-CoA decarboxylase; plus strand), LOC126862422 (CDK7 strongly-dependent group 2 enhancer GRCh37_chr16:83945234-83946433; plus strand). Cytogenetic location: 16q23.3.
Variant type: single nucleotide variant.
Coding change: c.942G>T on transcript NM_012213.3 (MANE Select); coding-DNA position 942, G replaced by T.
Protein change: p.Glu314Asp; replaces glutamic acid 314 with aspartic acid.
Molecular consequence: missense variant.
Genome position (GRCh38, 1-based): chr16:83,912,361, G>T. VCF-style: chr16-83912361-G-T. GRCh37 (hg19) VCF-style: chr16-83945966-G-T.
Other names: short protein forms E314D.
Identifiers: ClinVar variation 1943623 (VCV001943623.5), dbSNP rs1485409404, ClinGen allele CA396919414.